The following is an entry in ClinVar:

ClinVar aggregate classification (germline): Uncertain significance (1 of 4 stars; one submission).

Conditions:
Atypical hemolytic-uremic syndrome. Identifiers: Orphanet 2134, MedGen C2931788, MONDO:0016244.
Mesangiocapillary glomerulonephritis. Also called: Membranoproliferative glomerulonephritis. Identifiers: MedGen C0017662, MONDO:0002461, HP:0000793.

Submission:

Genomenon, Inc
Classification: Uncertain significance for Primary membranoproliferative glomerulonephritis. Last evaluated: 2025-09-26. Review status: criteria provided, single submitter. Criteria: Genomenon Sequence Variant Interpretation Standards - Updated. Collection method: curation. Allele origin: germline. Affected: no.
Comment: DGKE p.Lys109Glu (c.325A>G) is a missense variant that changes the amino acid at residue 109 from Lysine to Glutamic acid. This variant has been observed in at least one proband affected with DGKE-related disorder (PMID:32386968). It is absent or not present at a significant frequency in gnomAD. In silico models agree that this variant is possibly or probably damaging. In conclusion, we classify DGKE p.Lys109Glu (c.325A>G) as a variant of uncertain significance.

Literature cited by the submitters: PubMed 32386968.

NM_003647.3(DGKE):c.325A>G (p.Lys109Glu)

Gene: DGKE (diacylglycerol kinase epsilon; plus strand). Cytogenetic location: 17q22.
Variant type: single nucleotide variant.
Coding change: c.325A>G on transcript NM_003647.3 (MANE Select); coding-DNA position 325, A replaced by G.
Protein change: p.Lys109Glu; replaces lysine 109 with glutamic acid.
Molecular consequence: missense variant.
Genome position (GRCh38, 1-based): chr17:56,835,120, A>G. VCF-style: chr17-56835120-A-G. GRCh37 (hg19) VCF-style: chr17-54912481-A-G.
Other names: short protein forms K109E.
Identifiers: ClinVar variation 4280353 (VCV004280353.1).